The following is an entry in ClinVar:

ClinVar aggregate classification (germline): Uncertain significance (1 of 4 stars; one submission).

Conditions:
Immunodeficiency 104. Also called: SCID, AUTOSOMAL RECESSIVE, T CELL-NEGATIVE, B CELL-POSITIVE, NK CELL-POSITIVE; Severe combined immunodeficiency, autosomal recessive, T cell-negative, B cell-positive, NK cell-positive; Severe Combined Immune Deficiency, Autosomal Recessive, TCell -Negative, B Cell-Positive, NK Cell-Positive, IL7R-Related; IMMUNODEFICIENCY 104, SEVERE COMBINED. Identifiers: MedGen C5676890, MONDO:0012163, OMIM 608971.

Submission:

Labcorp Genetics (formerly Invitae), Labcorp
Classification: Uncertain significance for Immunodeficiency 104. Last evaluated: 2024-11-04. Review status: criteria provided, single submitter. Criteria: Invitae Variant Classification Sherloc (09022015). Collection method: clinical testing. Allele origin: germline.
Comment: This sequence change replaces glutamic acid, which is acidic and polar, with lysine, which is basic and polar, at codon 1187 of the PTPRC protein (p.Glu1187Lys). This variant is not present in population databases (gnomAD no frequency). This variant has not been reported in the literature in individuals affected with PTPRC-related conditions. ClinVar contains an entry for this variant (Variation ID: 1009635). An algorithm developed to predict the effect of missense changes on protein structure and function (PolyPhen-2) suggests that this variant is likely to be disruptive. In summary, the available evidence is currently insufficient to determine the role of this variant in disease. Therefore, it has been classified as a Variant of Uncertain Significance.

NM_002838.5(PTPRC):c.3559G>A (p.Glu1187Lys)

Gene: PTPRC (protein tyrosine phosphatase receptor type C; plus strand). Cytogenetic location: 1q32.1.
Variant type: single nucleotide variant.
Coding change: c.3559G>A on transcript NM_002838.5 (MANE Select); coding-DNA position 3559, G replaced by A.
Protein change: p.Glu1187Lys; replaces glutamic acid 1187 with lysine.
Molecular consequence: missense variant.
Genome position (GRCh38, 1-based): chr1:198,754,318, G>A. VCF-style: chr1-198754318-G-A. GRCh37 (hg19) VCF-style: chr1-198723447-G-A.
Other names: c.3076G>A, p.Glu1026Lys (NM_080921.4); short protein forms E1026K, E1187K.
Identifiers: ClinVar variation 1009635 (VCV001009635.9), dbSNP rs751348881, ClinGen allele CA344055639.